The following is an entry in ClinVar:

NM_003072.5(SMARCA4):c.4023C>T (p.Asp1341=)

Gene: SMARCA4 (SWI/SNF related BAF chromatin remodeling complex subunit ATPase 4; plus strand). Cytogenetic location: 19p13.2.
Variant type: single nucleotide variant.
Coding change: c.4023C>T on transcript NM_003072.5 (MANE Select); coding-DNA position 4023, C replaced by T.
Protein change: p.Asp1341=; no amino-acid change (aspartic acid 1341 retained).
Molecular consequence: synonymous variant. On other transcripts: non-coding transcript variant (1).
Genome position (GRCh38, 1-based): chr19:11,034,985, C>T. VCF-style: chr19-11034985-C-T. GRCh37 (hg19) VCF-style: chr19-11145661-C-T.
Other names: c.4023C>T, p.Asp1341= (NM_001128844.3, NM_001128849.3, NM_001387283.1); c.3924C>T, p.Asp1308= (NM_001128845.2, NM_001128846.2, NM_001128847.4 and 2 more transcripts).
Identifiers: ClinVar variation 415051 (VCV000415051.24), dbSNP rs372329621, ClinGen allele CA9204580.

ClinVar aggregate classification (germline): Benign/Likely benign. Review status: criteria provided, multiple submitters, no conflicts (2 of 4 stars). 4 submissions from 4 submitters: Benign (1); Likely benign (3). Last evaluated 2026-07-17.

Conditions:
Hereditary cancer-predisposing syndrome. Also called: Hereditary Cancer Syndrome; Hereditary neoplastic syndrome; Neoplastic Syndromes, Hereditary; Tumor predisposition. Identifiers: Orphanet 140162, MedGen C0027672, MeSH D009386, MONDO:0015356.
Rhabdoid tumor predisposition syndrome 2 (RTPS2). Identifiers: Orphanet 231108, Orphanet 69077, MedGen C2750074, MONDO:0013224, OMIM 613325.

Allele frequency attached by ClinVar (database versions not stated): ExAC 0.00002; gnomAD 0.00004 and 0.00003; gnomAD exomes 0.00001 and below 0.00001; TOPMed 0.00001; ESP Exome Variant Server 0.00008.
gnomAD v4.1: 7 of 1,607,540 alleles (0.00044%); highest among the groups gnomAD compares: African/African-American, 0.004%; no homozygotes.

Submissions (4):

Myriad Genetics, Inc.
Classification: Benign for Rhabdoid tumor predisposition syndrome 2. Last evaluated: 2026-07-17. Review status: criteria provided, single submitter. Criteria: Myriad Autosomal Dominant, Autosomal Recessive and X-Linked Classification Criteria (2023). Collection method: clinical testing. Allele origin: unknown.
Comment: This variant is considered benign. This variant is a silent/synonymous amino acid change and it is not expected to impact splicing.

Labcorp Genetics (formerly Invitae), Labcorp
Classification: Likely benign for Rhabdoid tumor predisposition syndrome 2. Last evaluated: 2026-01-27. Review status: criteria provided, single submitter. Criteria: Invitae Variant Classification Sherloc (09022015). Collection method: clinical testing. Allele origin: germline.

CeGaT Center for Human Genetics Tuebingen
Classification: Likely benign. Last evaluated: 2025-08-01. Review status: criteria provided, single submitter. Criteria: CeGaT Center For Human Genetics Tuebingen Variant Classification Criteria Version 2. Collection method: clinical testing. Allele origin: germline. Affected: yes. Observed: 1 variant allele.
Comment: SMARCA4: BP4, BP7

Ambry Genetics
Classification: Likely benign for Hereditary cancer-predisposing syndrome. Last evaluated: 2015-06-19. Review status: criteria provided, single submitter. Criteria: Ambry Variant Classification Scheme 2023. Collection method: clinical testing. Allele origin: germline.